The following is an entry in ClinVar:

ClinVar aggregate classification (germline): Uncertain significance (1 of 4 stars; one submission).

Conditions:
Short-rib thoracic dysplasia 10 with or without polydactyly (SRTD10). Identifiers: Orphanet 474, MedGen C3810175, MONDO:0014284, OMIM 615630.
Retinitis pigmentosa 71 (RP71). Identifiers: Orphanet 791, MedGen C4225342, MONDO:0014618, OMIM 616394.

Allele frequency attached by ClinVar (database versions not stated): gnomAD exomes below 0.00001; ExAC 0.00001; gnomAD 0.00001; TOPMed 0.00002.

Submission:

Labcorp Genetics (formerly Invitae), Labcorp
Classification: Uncertain significance for Retinitis pigmentosa 71; Short-rib thoracic dysplasia 10 with or without polydactyly. Last evaluated: 2022-11-01. Review status: criteria provided, single submitter. Criteria: Invitae Variant Classification Sherloc (09022015). Collection method: clinical testing. Allele origin: germline.
Comment: This sequence change replaces glutamine, which is neutral and polar, with histidine, which is basic and polar, at codon 1548 of the IFT172 protein (p.Gln1548His). This variant is present in population databases (rs746827700, gnomAD 0.008%). This variant has not been reported in the literature in individuals affected with IFT172-related conditions. ClinVar contains an entry for this variant (Variation ID: 937202). Advanced modeling of protein sequence and biophysical properties (such as structural, functional, and spatial information, amino acid conservation, physicochemical variation, residue mobility, and thermodynamic stability) performed at Invitae indicates that this missense variant is not expected to disrupt IFT172 protein function. In summary, the available evidence is currently insufficient to determine the role of this variant in disease. Therefore, it has been classified as a Variant of Uncertain Significance.

NM_015662.3(IFT172):c.4644G>C (p.Gln1548His)

Gene: IFT172 (intraflagellar transport 172; minus strand). Cytogenetic location: 2p23.3.
Variant type: single nucleotide variant.
Coding change: c.4644G>C on transcript NM_015662.3 (MANE Select); coding-DNA position 4644, G replaced by C.
Protein change: p.Gln1548His; replaces glutamine 1548 with histidine.
Molecular consequence: missense variant.
Genome position (GRCh38, 1-based): chr2:27,447,530, C>G on the plus strand (G>C on the coding strand, the complement: IFT172 is on the minus strand). VCF-style: chr2-27447530-C-G. GRCh37 (hg19) VCF-style: chr2-27670397-C-G.
Other names: short protein forms Q1548H.
Identifiers: ClinVar variation 937202 (VCV000937202.7), dbSNP rs746827700, ClinGen allele CA1579540.